The following is an entry in ClinVar:

NM_000312.4(PROC):c.263-28T>G

Gene: PROC (protein C, inactivator of coagulation factors Va and VIIIa; plus strand). Cytogenetic location: 2q14.3.
Variant type: single nucleotide variant.
Coding change: c.263-28T>G on transcript NM_000312.4 (MANE Select); 28 bases into the intron before coding-DNA position 263, T replaced by G.
Molecular consequence: intron variant. On other transcripts: synonymous variant (1).
Genome position (GRCh38, 1-based): chr2:127,423,006, T>G. VCF-style: chr2-127423006-T-G. GRCh37 (hg19) VCF-style: chr2-128180582-T-G.
Other names: p.?; c.390T>G, p.Ala130= (NM_001375606.1); c.263-28T>G (NM_001375611.1, NM_001375605.1, NM_001375608.1 and 2 more transcripts); c.446-28T>G (NM_001375602.1); c.347-28T>G (NM_001375607.1); c.257-28T>G (NM_001375610.1); c.326-28T>G (NM_001375603.1, NM_001375604.1); c.239-28T>G (NM_001375609.1).
Identifiers: ClinVar variation 1408925 (VCV001408925.9), dbSNP rs2104952137, ClinGen allele CA2573133199.
Genomic context (GRCh38, chr2:127,423,006, plus strand): 5'-GTGCGTTCTAGATCCCCGGCTGGACTACCGGCGCCCGCGCCCCTCGGGATCTCTGGCCGC[T>G]GACCCCCTACCCCGCCTTGTGTCGCAGACGGTGACCAGTGCTTGGTCTTGCCCTTGGAGC-3'

ClinVar aggregate classification (germline): Uncertain significance. Review status: criteria provided, multiple submitters, no conflicts (2 of 4 stars). 3 submissions from 3 submitters: Uncertain significance (3). Last evaluated 2025-10-15.

Conditions:
Thrombophilia due to protein C deficiency, autosomal recessive. Also called: PROC DEFICIENCY, AUTOSOMAL RECESSIVE; PROTEIN C DEFICIENCY, AUTOSOMAL RECESSIVE. Identifiers: Orphanet 745, MedGen C2676759, MONDO:0012860, OMIM 612304.
Thrombophilia due to protein C deficiency, autosomal dominant. Also called: PROC DEFICIENCY, AUTOSOMAL DOMINANT; PROTEIN C DEFICIENCY, AUTOSOMAL DOMINANT. Identifiers: Orphanet 745, MedGen C2674321, MONDO:0008316, OMIM 176860. Disease mechanism: loss of function.

Allele frequency attached by ClinVar (database versions not stated): gnomAD exomes below 0.00001.
gnomAD v4.1: 2 of 1,612,536 alleles (0.00012%); highest among the groups gnomAD compares: Non-Finnish European, 0.00017%; no homozygotes.

Submissions (3):

Labcorp Genetics (formerly Invitae), Labcorp
Classification: Uncertain significance for Thrombophilia due to protein C deficiency, autosomal dominant. Last evaluated: 2025-10-15. Review status: criteria provided, single submitter. Criteria: Invitae Variant Classification Sherloc (09022015). Collection method: clinical testing. Allele origin: germline.
Comment: This sequence change falls in intron 4 of the PROC gene. It does not directly change the encoded amino acid sequence of the PROC protein. This variant is not present in population databases (gnomAD no frequency). This variant has been observed in individuals with protein C deficiency (PMID: 7482420; internal data). This variant is also known as 3052 T>G. ClinVar contains an entry for this variant (Variation ID: 1408925). Algorithms developed to predict the effect of sequence changes on RNA splicing suggest that this variant may disrupt the consensus splice site. In summary, the available evidence is currently insufficient to determine the role of this variant in disease. Therefore, it has been classified as a Variant of Uncertain Significance.

Mayo Clinic Laboratories, Mayo Clinic
Classification: Uncertain significance. Last evaluated: 2022-06-27. Review status: criteria provided, single submitter. Criteria: ACMG Guidelines, 2015. Collection method: clinical testing. Allele origin: germline. Observed: 2 variant alleles.
Comment: PM2

Fulgent Genetics
Classification: Uncertain significance for Thrombophilia due to protein C deficiency, autosomal dominant; Thrombophilia due to protein C deficiency, autosomal recessive. Last evaluated: 2021-08-13. Review status: criteria provided, single submitter. Criteria: ACMG Guidelines, 2015. Collection method: clinical testing. Allele origin: unknown.

Literature cited by the submitters: PubMed 7482420 (cited by Labcorp Genetics (formerly Invitae), Labcorp).